The following is an entry in ClinVar:

NM_025132.4(WDR19):c.2146A>G (p.Ile716Val)

Gene: WDR19 (WD repeat domain 19; plus strand). Cytogenetic location: 4p14.
Variant type: single nucleotide variant.
Coding change: c.2146A>G on transcript NM_025132.4 (MANE Select); coding-DNA position 2146, A replaced by G.
Protein change: p.Ile716Val; replaces isoleucine 716 with valine.
Molecular consequence: missense variant.
Genome position (GRCh38, 1-based): chr4:39,232,165, A>G. VCF-style: chr4-39232165-A-G. GRCh37 (hg19) VCF-style: chr4-39233785-A-G.
Other names: c.1666A>G, p.Ile556Val (NM_001317924.2); short protein forms I556V, I716V.
Identifiers: ClinVar variation 1923581 (VCV001923581.7), dbSNP rs1379087804, ClinGen allele CA356634815.

ClinVar aggregate classification (germline): Uncertain significance. Review status: criteria provided, multiple submitters, no conflicts (2 of 4 stars). 2 submissions from 2 submitters: Uncertain significance (2). Last evaluated 2024-06-22.

Conditions:
Senior-Loken syndrome 8 (SLSN8). Identifiers: Orphanet 3156, MedGen C4225376, MONDO:0014579, OMIM 616307.
Asphyxiating thoracic dystrophy 5 (SRTD5). Also called: SHORT-RIB THORACIC DYSPLASIA 5 WITH OR WITHOUT POLYDACTYLY; SHORT-RIB THORACIC DYSPLASIA 5 WITHOUT POLYDACTYLY. Identifiers: Orphanet 474, MedGen C3280598, MONDO:0013717, OMIM 614376.
Inborn genetic diseases. Identifiers: MedGen C0950123, MeSH D030342.

Allele frequency attached by ClinVar (database versions not stated): TOPMed below 0.00001; gnomAD 0.00001; gnomAD exomes 0.00001.
gnomAD v4.1: 17 of 1,613,010 alleles (0.0011%); highest among the groups gnomAD compares: Non-Finnish European, 0.0014%; no homozygotes.

Submissions (2):

Ambry Genetics
Classification: Uncertain significance for Inborn genetic diseases. Last evaluated: 2024-06-22. Review status: criteria provided, single submitter. Criteria: Ambry Variant Classification Scheme 2023. Collection method: clinical testing. Allele origin: germline.

Labcorp Genetics (formerly Invitae), Labcorp
Classification: Uncertain significance for Senior-Loken syndrome 8; Asphyxiating thoracic dystrophy 5. Last evaluated: 2022-10-05. Review status: criteria provided, single submitter. Criteria: Invitae Variant Classification Sherloc (09022015). Collection method: clinical testing. Allele origin: germline.
Comment: In summary, the available evidence is currently insufficient to determine the role of this variant in disease. Therefore, it has been classified as a Variant of Uncertain Significance. Advanced modeling of protein sequence and biophysical properties (such as structural, functional, and spatial information, amino acid conservation, physicochemical variation, residue mobility, and thermodynamic stability) performed at Invitae indicates that this missense variant is not expected to disrupt WDR19 protein function. This variant has not been reported in the literature in individuals affected with WDR19-related conditions. This variant is not present in population databases (gnomAD no frequency). This sequence change replaces isoleucine, which is neutral and non-polar, with valine, which is neutral and non-polar, at codon 716 of the WDR19 protein (p.Ile716Val).